The following is an entry in ClinVar:

ClinVar aggregate classification (germline): Likely benign. Review status: criteria provided, single submitter (1 of 4 stars). 2 submissions from 2 submitters: Likely benign (1). 1 of the submissions does not count toward it. Last evaluated 2023-12-01.

Conditions:
EP300-related disorder. Also called: EP300-related condition; EP300-related disorders.

Allele frequency attached by ClinVar (database versions not stated): ExAC 0.00002; TOPMed 0.00002; gnomAD 0.00003; gnomAD exomes 0.00003.
gnomAD v4.1: 47 of 1,614,036 alleles (0.0029%); highest among the groups gnomAD compares: Non-Finnish European, 0.00051%; no homozygotes.

Submissions (2):

CeGaT Center for Human Genetics Tuebingen
Classification: Likely benign. Last evaluated: 2023-12-01. Review status: criteria provided, single submitter. Criteria: CeGaT Center For Human Genetics Tuebingen Variant Classification Criteria Version 2. Collection method: clinical testing. Allele origin: germline. Affected: yes. Observed: 1 variant allele.
Comment: EP300: BS1

PreventionGenetics, part of Exact Sciences
Classification: Likely benign for EP300-related condition. Last evaluated: 2022-06-02. Review status: no assertion criteria provided. Collection method: clinical testing. Allele origin: germline. Not counted in ClinVar's aggregate classification.
Comment: This variant is classified as likely benign based on ACMG/AMP sequence variant interpretation guidelines (Richards et al. 2015 PMID: 25741868, with internal and published modifications).

NM_001429.4(EP300):c.6723G>C (p.Gln2241His)

Gene: EP300 (EP300 lysine acetyltransferase; plus strand). Cytogenetic location: 22q13.2.
Variant type: single nucleotide variant.
Coding change: c.6723G>C on transcript NM_001429.4 (MANE Select); coding-DNA position 6723, G replaced by C.
Protein change: p.Gln2241His; replaces glutamine 2241 with histidine.
Molecular consequence: missense variant.
Genome position (GRCh38, 1-based): chr22:41,178,434, G>C. VCF-style: chr22-41178434-G-C. GRCh37 (hg19) VCF-style: chr22-41574438-G-C.
Other names: c.6723G>C (NM_001429.3); c.6645G>C, p.Gln2215His (NM_001362843.2); short protein forms Q2215H, Q2241H.
Identifiers: ClinVar variation 3026078 (VCV003026078.22), dbSNP rs200119686, ClinGen allele CA10253941.